The following is an entry in ClinVar:

NM_001114134.2(EPB42):c.953G>T (p.Gly318Val)

Gene: EPB42 (erythrocyte membrane protein band 4.2; minus strand). Cytogenetic location: 15q15.2.
Variant type: single nucleotide variant.
Coding change: c.953G>T on transcript NM_001114134.2 (MANE Select); coding-DNA position 953, G replaced by T.
Protein change: p.Gly318Val; replaces glycine 318 with valine.
Molecular consequence: missense variant.
Genome position (GRCh38, 1-based): chr15:43,208,655, C>A on the plus strand (G>T on the coding strand, the complement: EPB42 is on the minus strand). VCF-style: chr15-43208655-C-A. GRCh37 (hg19) VCF-style: chr15-43500853-C-A.
Other names: p.Gly348Val; c.1043G>T, p.Gly348Val (NM_000119.3); short protein forms G318V, G348V.
Identifiers: ClinVar variation 811114 (VCV000811114.16), dbSNP rs143974871, ClinGen allele CA7520456.
Genomic context (GRCh38, chr15:43,208,655, plus strand): 5'-GCCCTTCCTGGACTGGAACCTCATCTCCCTTGGGCTTCTCACCAGATTCTGCCTCTCTGG[C>A]CTTCTCCGTTCTGAAGTCCCTCCTCATTATAGTATTCATCTATGAGAAGACGCCCACCGG-3'
Protein context (NP_001107606.1, residues 308-328): YNEEGLQNGE[Gly318Val]QRGRIWIFQT

ClinVar aggregate classification (germline): Uncertain significance. Review status: criteria provided, multiple submitters, no conflicts (2 of 4 stars). 4 submissions from 4 submitters: Uncertain significance (4). Last evaluated 2024-04-10.

Conditions:
Hereditary spherocytosis type 5. Also called: EPB42-Related Spherocytosis; EPB42-Related Hereditary Spherocytosis. Identifiers: Orphanet 822, MedGen C2675192, MONDO:0012985, OMIM 612690.

Allele frequency attached by ClinVar (database versions not stated): gnomAD exomes 0.00004 and 0.00013; 1000 Genomes Project 30x 0.00016; ExAC 0.00017; 1000 Genomes Project 0.00020; gnomAD 0.00042 and 0.00044; ESP Exome Variant Server 0.00046; TOPMed 0.00053.
gnomAD v4.1: 133 of 1,614,158 alleles (0.0082%); highest among the groups gnomAD compares: African/African-American, 0.15%; no homozygotes.

Submissions (4):

Revvity Omics, Revvity
Classification: Uncertain significance for Hereditary spherocytosis type 5. Last evaluated: 2024-04-10. Review status: criteria provided, single submitter. Criteria: ACMG Guidelines, 2015. Collection method: clinical testing. Allele origin: germline.

Mayo Clinic Laboratories, Mayo Clinic
Classification: Uncertain significance. Last evaluated: 2021-05-17. Review status: criteria provided, single submitter. Criteria: ACMG Guidelines, 2015. Collection method: clinical testing. Allele origin: germline.

ARUP Laboratories, Molecular Genetics and Genomics, ARUP Laboratories
Classification: Uncertain significance for Hereditary spherocytosis type 5. Last evaluated: 2020-10-08. Review status: criteria provided, single submitter. Criteria: ARUP Molecular Germline Variant Investigation Process 2021. Collection method: clinical testing. Allele origin: germline.

GeneDx
Classification: Uncertain significance. Last evaluated: 2020-06-24. Review status: criteria provided, single submitter. Criteria: GeneDx Variant Classification Process June 2021. Collection method: clinical testing. Allele origin: germline. Affected: yes.
Comment: In silico analysis supports that this missense variant has a deleterious effect on protein structure/function; Has not been previously published as pathogenic or benign to our knowledge